The following is an entry in ClinVar:

NM_002485.5(NBN):c.692A>C (p.Asn231Thr)

Gene: NBN (nibrin; minus strand). Cytogenetic location: 8q21.3.
Variant type: single nucleotide variant.
Coding change: c.692A>C on transcript NM_002485.5 (MANE Select); coding-DNA position 692, A replaced by C.
Protein change: p.Asn231Thr; replaces asparagine 231 with threonine.
Molecular consequence: missense variant.
Genome position (GRCh38, 1-based): chr8:89,971,183, T>G on the plus strand (A>C on the coding strand, the complement: NBN is on the minus strand). VCF-style: chr8-89971183-T-G. GRCh37 (hg19) VCF-style: chr8-90983411-T-G.
Other names: c.446A>C, p.Asn149Thr (NM_001024688.3); short protein forms N231T, N149T.
Identifiers: ClinVar variation 652042 (VCV000652042.8), dbSNP rs1309274168, ClinGen allele CA371658939.

ClinVar aggregate classification (germline): Uncertain significance (1 of 4 stars; one submission).

Conditions:
Microcephaly, normal intelligence and immunodeficiency (NBS). Also called: BERLIN BREAKAGE SYNDROME; Nijmegen breakage syndrome; Microcephaly with normal intelligence immunodeficiency and lymphoreticular malignancies; Nonsyndromal microcephaly autosomal recessive with normal intelligence; Seemanova syndrome 2; SEEMANOVA SYNDROME II. Identifiers: Orphanet 647, MedGen C0398791, MONDO:0009623, OMIM 251260.

gnomAD v4.1: 1 of 1,612,694 alleles (0.000062%); highest among the groups gnomAD compares: South Asian, 0.0011%; no homozygotes.

Submission:

Labcorp Genetics (formerly Invitae), Labcorp
Classification: Uncertain significance for Microcephaly, normal intelligence and immunodeficiency. Last evaluated: 2025-07-18. Review status: criteria provided, single submitter. Criteria: Invitae Variant Classification Sherloc (09022015). Collection method: clinical testing. Allele origin: germline.
Comment: This sequence change replaces asparagine, which is neutral and polar, with threonine, which is neutral and polar, at codon 231 of the NBN protein (p.Asn231Thr). This variant is not present in population databases (gnomAD no frequency). This variant has not been reported in the literature in individuals affected with NBN-related conditions. ClinVar contains an entry for this variant (Variation ID: 652042). An algorithm developed to predict the effect of missense changes on protein structure and function (PolyPhen-2) suggests that this variant is likely to be tolerated. In summary, the available evidence is currently insufficient to determine the role of this variant in disease. Therefore, it has been classified as a Variant of Uncertain Significance.